The following is an entry in ClinVar:

NM_000222.3(KIT):c.2494C>T (p.Pro832Ser)

Gene: KIT (KIT proto-oncogene, receptor tyrosine kinase; plus strand). Cytogenetic location: 4q12.
Variant type: single nucleotide variant.
Coding change: c.2494C>T on transcript NM_000222.3 (MANE Select); coding-DNA position 2494, C replaced by T.
Protein change: p.Pro832Ser; replaces proline 832 with serine.
Molecular consequence: missense variant.
Genome position (GRCh38, 1-based): chr4:54,736,507, C>T. VCF-style: chr4-54736507-C-T. GRCh37 (hg19) VCF-style: chr4-55602673-C-T.
Other names: c.2482C>T, p.Pro828Ser (NM_001093772.2, NM_001385292.1); c.2497C>T, p.Pro833Ser (NM_001385284.1); c.2491C>T, p.Pro831Ser (NM_001385285.1); c.2479C>T, p.Pro827Ser (NM_001385286.1); c.2485C>T, p.Pro829Ser (NM_001385288.1); c.2494C>T, p.Pro832Ser (NM_001385290.1); short protein forms P827S, P828S, P829S, P831S, P832S, P833S.
Identifiers: ClinVar variation 1718828 (VCV001718828.6), dbSNP rs2109810899, ClinGen allele CA356912903.

ClinVar aggregate classification (germline): Likely pathogenic (1 of 4 stars; one submission).

Conditions:
Gastrointestinal stromal tumor. Also called: Gastrointestinal stroma tumor; Gastrointestinal stromal tumor, somatic. Identifiers: Orphanet 44890, MedGen C0238198, MeSH D046152, MONDO:0011719, OMIM 606764, HP:0100723.

Submission:

Labcorp Genetics (formerly Invitae), Labcorp
Classification: Likely pathogenic for Gastrointestinal stromal tumor. Last evaluated: 2022-11-11. Review status: criteria provided, single submitter. Criteria: Invitae Variant Classification Sherloc (09022015). Collection method: clinical testing. Allele origin: germline.
Comment: This sequence change replaces proline, which is neutral and non-polar, with serine, which is neutral and polar, at codon 832 of the KIT protein (p.Pro832Ser). This variant is not present in population databases (gnomAD no frequency). This missense change has been observed in individual(s) with piebaldism (Invitae). In at least one individual the variant was observed to be de novo. Algorithms developed to predict the effect of missense changes on protein structure and function (SIFT, PolyPhen-2, Align-GVGD) all suggest that this variant is likely to be disruptive. In summary, the currently available evidence indicates that the variant is pathogenic, but additional data are needed to prove that conclusively. Therefore, this variant has been classified as Likely Pathogenic.